The following is an entry in ClinVar:

ClinVar aggregate classification (germline): Uncertain significance (1 of 4 stars; one submission).

Submission:

Labcorp Genetics (formerly Invitae), Labcorp
Classification: Uncertain significance. Last evaluated: 2024-06-02. Review status: criteria provided, single submitter. Criteria: Invitae Variant Classification Sherloc (09022015). Collection method: clinical testing. Allele origin: germline.
Comment: This sequence change replaces glutamine, which is neutral and polar, with arginine, which is basic and polar, at codon 1297 of the KMT2A protein (p.Gln1297Arg). This variant is not present in population databases (gnomAD no frequency). This variant has not been reported in the literature in individuals affected with KMT2A-related conditions. Advanced modeling of protein sequence and biophysical properties (such as structural, functional, and spatial information, amino acid conservation, physicochemical variation, residue mobility, and thermodynamic stability) has been performed at Invitae for this missense variant, however the output from this modeling did not meet the statistical confidence thresholds required to predict the impact of this variant on KMT2A protein function. In summary, the available evidence is currently insufficient to determine the role of this variant in disease. Therefore, it has been classified as a Variant of Uncertain Significance.

NM_001197104.2(KMT2A):c.3890A>G (p.Gln1297Arg)

Gene: KMT2A (lysine methyltransferase 2A; plus strand). Cytogenetic location: 11q23.3.
Variant type: single nucleotide variant.
Coding change: c.3890A>G on transcript NM_001197104.2 (MANE Select); coding-DNA position 3890, A replaced by G.
Protein change: p.Gln1297Arg; replaces glutamine 1297 with arginine.
Molecular consequence: missense variant.
Genome position (GRCh38, 1-based): chr11:118,481,970, A>G. VCF-style: chr11-118481970-A-G. GRCh37 (hg19) VCF-style: chr11-118352685-A-G.
Other names: c.3989A>G, p.Gln1330Arg (NM_001412597.1); c.3890A>G, p.Gln1297Arg (NM_005933.4); short protein forms Q1297R, Q1330R.
Identifiers: ClinVar variation 3634315 (VCV003634315.2).